The following is an entry in ClinVar:

ClinVar aggregate classification (germline): Uncertain significance (1 of 4 stars; one submission).

Submission:

Labcorp Genetics (formerly Invitae), Labcorp
Classification: Uncertain significance. Last evaluated: 2024-05-20. Review status: criteria provided, single submitter. Criteria: Invitae Variant Classification Sherloc (09022015). Collection method: clinical testing. Allele origin: germline.
Comment: This sequence change replaces threonine, which is neutral and polar, with isoleucine, which is neutral and non-polar, at codon 278 of the FLNB protein (p.Thr278Ile). This variant is not present in population databases (gnomAD no frequency). This variant has not been reported in the literature in individuals affected with FLNB-related conditions. Advanced modeling of protein sequence and biophysical properties (such as structural, functional, and spatial information, amino acid conservation, physicochemical variation, residue mobility, and thermodynamic stability) performed at Invitae indicates that this missense variant is not expected to disrupt FLNB protein function with a negative predictive value of 95%. In summary, the available evidence is currently insufficient to determine the role of this variant in disease. Therefore, it has been classified as a Variant of Uncertain Significance.

NM_001457.4(FLNB):c.833C>T (p.Thr278Ile)

Gene: FLNB (filamin B; plus strand). Cytogenetic location: 3p14.3.
Variant type: single nucleotide variant.
Coding change: c.833C>T on transcript NM_001457.4 (MANE Select); coding-DNA position 833, C replaced by T.
Protein change: p.Thr278Ile; replaces threonine 278 with isoleucine.
Molecular consequence: missense variant.
Genome position (GRCh38, 1-based): chr3:58,094,881, C>T. VCF-style: chr3-58094881-C-T. GRCh37 (hg19) VCF-style: chr3-58080608-C-T.
Other names: c.833C>T, p.Thr278Ile (NM_001164317.2, NM_001164318.2, NM_001164319.2); short protein forms T278I.
Identifiers: ClinVar variation 3635696 (VCV003635696.2).
Genomic context (GRCh38, chr3:58,094,881, plus strand): 5'-GTAAACCTGTGGCAGGAATCGAGCCCACTGGAAACATGGTGAAGCAGCCAGCCAAGTTCA[C>T]TGTGGACACCATCAGCGCCGGGCAAGGAGACGTGATGGTGTTTGTTGAGGACCCAGAAGG-3'
Protein context (NP_001448.2, residues 268-288): GNMVKQPAKF[Thr278Ile]VDTISAGQGD